The following is an entry in ClinVar:

NM_021831.6(AGBL5):c.1639C>T (p.Pro547Ser)

Gene: AGBL5 (AGBL carboxypeptidase 5; plus strand). Cytogenetic location: 2p23.3.
Variant type: single nucleotide variant.
Coding change: c.1639C>T on transcript NM_021831.6 (MANE Select); coding-DNA position 1639, C replaced by T.
Protein change: p.Pro547Ser; replaces proline 547 with serine.
Molecular consequence: missense variant. On other transcripts: non-coding transcript variant (2).
Genome position (GRCh38, 1-based): chr2:27,057,406, C>T. VCF-style: chr2-27057406-C-T. GRCh37 (hg19) VCF-style: chr2-27280274-C-T.
Other names: c.1639C>T (NM_021831.5); c.1639C>T, p.Pro547Ser (NM_001035506.1, NM_001035507.3); short protein forms P547S.
Identifiers: ClinVar variation 1900252 (VCV001900252.3), dbSNP rs762808695, ClinGen allele CA1567922.

ClinVar aggregate classification (germline): Uncertain significance. Review status: criteria provided, multiple submitters, no conflicts (2 of 4 stars). 2 submissions from 2 submitters: Uncertain significance (2). Last evaluated 2026-08-17.

Conditions:
Inborn genetic diseases. Identifiers: MedGen C0950123, MeSH D030342.

Allele frequency attached by ClinVar (database versions not stated): gnomAD 0.00001; TOPMed 0.00002; gnomAD exomes 0.00001; ExAC 0.00002.
gnomAD v4.1: 12 of 1,613,624 alleles (0.00074%); highest among the groups gnomAD compares: Admixed American, 0.017%; no homozygotes.

Submissions (2):

Ambry Genetics
Classification: Uncertain significance for Inborn genetic diseases. Last evaluated: 2026-08-17. Review status: criteria provided, single submitter. Criteria: Ambry Variant Classification Scheme 2023. Collection method: clinical testing. Allele origin: germline.

Labcorp Genetics (formerly Invitae), Labcorp
Classification: Uncertain significance. Last evaluated: 2022-07-19. Review status: criteria provided, single submitter. Criteria: Invitae Variant Classification Sherloc (09022015). Collection method: clinical testing. Allele origin: germline.
Comment: This sequence change replaces proline, which is neutral and non-polar, with serine, which is neutral and polar, at codon 547 of the AGBL5 protein (p.Pro547Ser). This variant is present in population databases (rs762808695, gnomAD 0.03%). This variant has not been reported in the literature in individuals affected with AGBL5-related conditions. Algorithms developed to predict the effect of missense changes on protein structure and function (SIFT, PolyPhen-2, Align-GVGD) all suggest that this variant is likely to be tolerated. In summary, the available evidence is currently insufficient to determine the role of this variant in disease. Therefore, it has been classified as a Variant of Uncertain Significance.